The following is an entry in ClinVar:

ClinVar aggregate classification (germline): Uncertain significance (1 of 4 stars; one submission).

Submission:

Women's Health and Genetics/Laboratory Corporation of America, LabCorp
Classification: Uncertain significance. Last evaluated: 2025-10-08. Review status: criteria provided, single submitter. Criteria: LabCorp Variant Classification Summary - May 2015. Collection method: clinical testing. Allele origin: germline.
Comment: Variant summary: GALK1 c.578G>A (p.Gly193Glu) results in a non-conservative amino acid change in the encoded protein sequence. Algorithms developed to predict the effect of missense changes on protein structure and function all suggest that this variant is likely to be disruptive. The variant was absent in 250370 control chromosomes. The available data on variant occurrences in the general population are insufficient to allow any conclusion about variant significance. c.578G>A has been observed in an individual affected with Deficiency Of Galactokinase (Maroulis_2023). These report(s) do not provide unequivocal conclusions about association of the variant with Deficiency Of Galactokinase. To our knowledge, no experimental evidence demonstrating an impact on protein function has been reported. The following publication have been ascertained in the context of this evaluation (PMID: 38090149). No submitters have cited clinical-significance assessments for this variant to ClinVar. Based on the evidence outlined above, the variant was classified as uncertain significance.

Literature cited by the submitters: PubMed 38090149.

NM_000154.2(GALK1):c.578G>A (p.Gly193Glu)

Gene: GALK1 (galactokinase 1; minus strand). Cytogenetic location: 17q25.1.
Variant type: single nucleotide variant.
Coding change: c.578G>A on transcript NM_000154.2 (MANE Select); coding-DNA position 578, G replaced by A.
Protein change: p.Gly193Glu; replaces glycine 193 with glutamic acid.
Molecular consequence: missense variant.
Genome position (GRCh38, 1-based): chr17:75,763,047, C>T on the plus strand (G>A on the coding strand, the complement: GALK1 is on the minus strand). VCF-style: chr17-75763047-C-T. GRCh37 (hg19) VCF-style: chr17-73759128-C-T.
Other names: c.578G>A, p.Gly193Glu (NM_001381985.1); short protein forms G193E.
Identifiers: ClinVar variation 4687457 (VCV004687457.1).
Genomic context (GRCh38, chr17:75,763,047, plus strand): 5'-GGAGGGGACGAGGGGAGCGAGCCCAACCTGCAGTCAATGAGCAGCGCGTGGCCTTTCTGT[C>T]CCATAAGTGAGATGAACTGGTCCATGATGCCACAGGGCATCCCTGCGAAGCTGTGCTCGG-3'
Protein context (NP_000145.1, residues 183-203): GIMDQFISLM[Gly193Glu]QKGHALLIDC